The following is an entry in ClinVar:

ClinVar aggregate classification (germline): Likely pathogenic (1 of 4 stars; one submission).

Conditions:
Mucopolysaccharidosis, MPS-II (MPS2). Also called: Hunter Syndrome; IDURONATE 2-SULFATASE DEFICIENCY; Mucopolysaccharidosis Type II; Mucopolysaccharidosis type 2; Attenuated MPS (subtype; formerly known as mild MPS II); Severe MPS II. Identifiers: Orphanet 580, Orphanet 79388, MedGen C0026705, MONDO:0010674, OMIM 309900.

Submission:

Laboratory of Diagnosis and Therapy of Lysosomal Disorders, University of Padova
Classification: Likely pathogenic for Mucopolysaccharidosis, MPS-II. Last evaluated: 2024-06-07. Review status: criteria provided, single submitter. Criteria: ACMG Guidelines, 2015. Collection method: literature only. Allele origin: germline. Affected: yes. Observed: 5 variant alleles.
Comment: Absent from controls (or at low frequency) in gnomAD database (PM2_Moderate), Missense variant in a gene with a low rate of benign missense variation (PP2_Supporting), Patient’s phenotype or family history highly specific for the disease (PP4_Strong), Multiple lines of computational evidence suggest no impact on gene or gene product (BP4_Supporting)

Classification method: ACMG Guidelines [PMID:25741868] with modifications

Literature cited by the submitters: PubMed 33960103.

NM_000202.8(IDS):c.463T>C (p.Phe155Leu)

Genes: IDS (iduronate 2-sulfatase; minus strand), LOC106050102 (IDS recombination region; plus strand). Cytogenetic location: Xq28.
Variant type: single nucleotide variant.
Coding change: c.463T>C on transcript NM_000202.8 (MANE Select); coding-DNA position 463, T replaced by C.
Protein change: p.Phe155Leu; replaces phenylalanine 155 with leucine.
Molecular consequence: missense variant. On other transcripts: non-coding transcript variant (1).
Genome position (GRCh38, 1-based): chrX:149,500,993, A>G on the plus strand (T>C on the coding strand, the complement: IDS is on the minus strand). VCF-style: chrX-149500993-A-G. GRCh37 (hg19) VCF-style: chrX-148582524-A-G.
Other names: c.193T>C, p.Phe65Leu (NM_001166550.4); c.463T>C, p.Phe155Leu (NM_006123.5); short protein forms F155L, F65L.
Identifiers: ClinVar variation 3255745 (VCV003255745.2).